The following is an entry in ClinVar:

NM_004484.4(GPC3):c.500T>C (p.Val167Ala)

Gene: GPC3 (glypican 3; minus strand). Cytogenetic location: Xq26.2.
Variant type: single nucleotide variant.
Coding change: c.500T>C on transcript NM_004484.4 (MANE Select); coding-DNA position 500, T replaced by C.
Protein change: p.Val167Ala; replaces valine 167 with alanine.
Molecular consequence: missense variant.
Genome position (GRCh38, 1-based): chrX:133,754,014, A>G on the plus strand (T>C on the coding strand, the complement: GPC3 is on the minus strand). VCF-style: chrX-133754014-A-G. GRCh37 (hg19) VCF-style: chrX-132888041-A-G.
Other names: c.500T>C, p.Val167Ala (NM_001164617.2); c.452T>C, p.Val151Ala (NM_001164618.2); c.338T>C, p.Val113Ala (NM_001164619.2); short protein forms V151A, V167A, V113A.
Identifiers: ClinVar variation 857512 (VCV000857512.1), dbSNP rs2071700646, ClinGen allele CA414706486.

ClinVar aggregate classification (germline): Uncertain significance (1 of 4 stars; one submission).

Conditions:
Wilms tumor 1 (WT1). Also called: Wilms tumor, somatic. Identifiers: Orphanet 654, MedGen CN033288, MONDO:0008679, OMIM 194070.

Submission:

Labcorp Genetics (formerly Invitae), Labcorp
Classification: Uncertain significance for Wilms tumor 1. Last evaluated: 2019-12-05. Review status: criteria provided, single submitter. Criteria: Invitae Variant Classification Sherloc (09022015). Collection method: clinical testing. Allele origin: germline.
Comment: This sequence change replaces valine with alanine at codon 167 of the GPC3 protein (p.Val167Ala). The valine residue is highly conserved and there is a small physicochemical difference between valine and alanine. This variant is not present in population databases (ExAC no frequency). This variant has not been reported in the literature in individuals with GPC3-related conditions. Algorithms developed to predict the effect of missense changes on protein structure and function (SIFT, PolyPhen-2, Align-GVGD) all suggest that this variant is likely to be disruptive, but these predictions have not been confirmed by published functional studies and their clinical significance is uncertain. In summary, the available evidence is currently insufficient to determine the role of this variant in disease. Therefore, it has been classified as a Variant of Uncertain Significance.